The following is an entry in ClinVar:

NM_004168.4(SDHA):c.1315G>C (p.Gly439Arg)

Gene: SDHA (succinate dehydrogenase complex flavoprotein subunit A; plus strand). Cytogenetic location: 5p15.33.
Variant type: single nucleotide variant.
Coding change: c.1315G>C on transcript NM_004168.4 (MANE Select); coding-DNA position 1315, G replaced by C.
Protein change: p.Gly439Arg; replaces glycine 439 with arginine.
Molecular consequence: missense variant.
Genome position (GRCh38, 1-based): chr5:236,482, G>C. VCF-style: chr5-236482-G-C. GRCh37 (hg19) VCF-style: chr5-236597-G-C.
Other names: c.1171G>C, p.Gly391Arg (NM_001294332.2); c.1315G>C, p.Gly439Arg (NM_001330758.2); short protein forms G391R, G439R.
Identifiers: ClinVar variation 818887 (VCV000818887.5), dbSNP rs1579409601, ClinGen allele CA359013911.
Genomic context (GRCh38, chr5:236,482, plus strand): 5'-CCACAGGTCCTGAGGCACGTGAATGGCCAGGATCAGATTGTGCCCGGCCTGTACGCCTGT[G>C]GGGAGGCCGCCTGTGCCTCGGTACATGGTGCCAACCGCCTCGGGGCAAACTCGCTCTTGG-3'
Protein context (NP_004159.2, residues 429-449): DQIVPGLYAC[Gly439Arg]EAACASVHGA

ClinVar aggregate classification (germline): Likely pathogenic (1 of 4 stars; one submission).

Conditions:
Hereditary cancer-predisposing syndrome. Also called: Tumor predisposition; Neoplastic Syndromes, Hereditary; Hereditary Cancer Syndrome; Hereditary neoplastic syndrome. Identifiers: Orphanet 140162, MedGen C0027672, MeSH D009386, MONDO:0015356.

Allele frequency attached by ClinVar (database versions not stated): gnomAD exomes below 0.00001.
gnomAD v4.1: 1 of 1,613,904 alleles (0.000062%); highest among the groups gnomAD compares: Non-Finnish European, 0.000085%; no homozygotes.

Submission:

Ambry Genetics
Classification: Likely pathogenic for Hereditary cancer-predisposing syndrome. Last evaluated: 2026-01-27. Review status: criteria provided, single submitter. Criteria: Ambry Variant Classification Scheme 2023. Collection method: clinical testing. Allele origin: germline.
Comment: The p.G439R variant (also known as c.1315G>C), located in coding exon 10 of the SDHA gene, results from a G to C substitution at nucleotide position 1315. The glycine at codon 439 is replaced by arginine, an amino acid with dissimilar properties. This variant was reported in individual(s) with features consistent with SDHA-related hereditary pheochromocytoma-paraganglioma (Ambry internal data). Other variant(s) at the same codon, p.G439E (c.1316G>A), have been identified in individual(s) with features consistent with SDHA-related hereditary pheochromocytoma-paraganglioma (Bausch B et al. JAMA Oncol, 2017 Sep;3:1204-1212). This amino acid position is highly conserved in available vertebrate species. In addition, this alteration is predicted to be deleterious by in silico analysis. This variant is considered to be rare based on population cohorts in the Genome Aggregation Database (gnomAD). Based on the majority of available evidence to date, this variant is likely to be pathogenic.